The following is an entry in ClinVar:

NM_001382391.1(CSPP1):c.1360dup (p.Ile454fs)

Gene: CSPP1 (centrosome and spindle pole associated protein 1; plus strand). Cytogenetic location: 8q13.2.
Variant type: Duplication.
Coding change: c.1360dup on transcript NM_001382391.1 (MANE Select); coding-DNA position 1360, one base duplicated (A; older notation c.1360dupA).
Protein change: p.Ile454fs; shifts the reading frame from isoleucine 454.
Molecular consequence: frameshift variant. On other transcripts: intron variant (1).
Genome position (GRCh38, 1-based): chr8:67,115,986, A duplicated; the last of 2 consecutive A bases (chr8:67,115,985-67,115,986); duplicating either gives the same sequence. VCF-style (leftmost placement, unchanged base first): chr8-67115984-G-GA. GRCh37 (hg19) VCF-style: chr8-68028219-G-GA.
Other names: c.463dup, p.Ile155fs (NM_001291339.2); c.1279dup, p.Ile427fs (NM_001363131.2); c.1318dup, p.Ile440fs (NM_001363132.2); c.1237dup, p.Ile413fs (NM_001363133.2); c.1426dup, p.Ile476fs (NM_001364869.1); c.1246dup, p.Ile416fs (NM_001364870.1); c.1345dup, p.Ile449fs (NM_001438330.1, NM_001438331.1, NM_024790.7); c.951-2262dup (NM_001438332.1); short protein forms I449fs, I413fs, I416fs, I427fs, I454fs, I476fs, I155fs, I440fs.
Identifiers: ClinVar variation 4699335 (VCV004699335.1).
Genomic context (GRCh38, chr8:67,115,984, plus strand): 5'-TAAAGCAGTTTAGTGTGGCACCAAGACACTTTGAAGAGATGATACCACCTGAAAGACCCA[G>GA]AATAGCTTTCCAGACACCTCTCCCTCCTTTATCTGCCCCATCTGTCCCACCCATCCCATC-3'

ClinVar aggregate classification (germline): Pathogenic (1 of 4 stars; one submission).

Conditions:
Joubert syndrome 21 (JBTS21). Identifiers: MedGen C3810212, MONDO:0014288, OMIM 615636.

Submission:

Labcorp Genetics (formerly Invitae), Labcorp
Classification: Pathogenic for Joubert syndrome 21. Last evaluated: 2025-11-05. Review status: criteria provided, single submitter. Criteria: Invitae Variant Classification Sherloc (09022015). Collection method: clinical testing. Allele origin: germline.
Comment: This sequence change creates a premature translational stop signal (p.Ile449Asnfs*29) in the CSPP1 gene. It is expected to result in an absent or disrupted protein product. Loss-of-function variants in CSPP1 are known to be pathogenic (PMID: 24360807, 24360808). This variant is not present in population databases (gnomAD no frequency). This variant has not been reported in the literature in individuals affected with CSPP1-related conditions. For these reasons, this variant has been classified as Pathogenic.

Literature cited by the submitters: PubMed 24360807; PubMed 24360808.